The following is an entry in ClinVar:

ClinVar aggregate classification (germline): Uncertain significance (1 of 4 stars; one submission).

Allele frequency attached by ClinVar (database versions not stated): gnomAD exomes below 0.00001; ExAC 0.00001; gnomAD 0.00002; TOPMed 0.00001; ESP Exome Variant Server 0.00008.
gnomAD v4.1: 8 of 1,613,342 alleles (0.0005%); highest among the groups gnomAD compares: Non-Finnish European, 0.00059%; no homozygotes.

Submission:

Laboratory for Molecular Medicine, Mass General Brigham Personalized Medicine
Classification: Uncertain significance. Last evaluated: 2011-04-08. Review status: criteria provided, single submitter. Criteria: LMM Criteria. Collection method: clinical testing. Allele origin: germline. Observed: 1 variant allele.
Comment: The Gly765Arg variant in DFNB31 has not been reported in the literature nor prev iously identified by our laboratory. This residue is conserved across species an d computational analyses (PolyPhen2, SIFT, AlignGVGD) suggest that the Gly765Arg variant may impact the protein. However, this information is not predictive eno ugh to assume pathogenicity. In summary, the clinical significance of this varia nt cannot be determined with certainty at this time.

NM_015404.4(WHRN):c.2293G>C (p.Gly765Arg)

Gene: WHRN (whirlin; minus strand). Cytogenetic location: 9q32.
Variant type: single nucleotide variant.
Coding change: c.2293G>C on transcript NM_015404.4 (MANE Select); coding-DNA position 2293, G replaced by C.
Protein change: p.Gly765Arg; replaces glycine 765 with arginine.
Molecular consequence: missense variant.
Genome position (GRCh38, 1-based): chr9:114,404,021, C>G on the plus strand (G>C on the coding strand, the complement: WHRN is on the minus strand). VCF-style: chr9-114404021-C-G. GRCh37 (hg19) VCF-style: chr9-117166301-C-G.
Other names: c.1144G>C, p.Gly382Arg (NM_001083885.3); c.2290G>C, p.Gly764Arg (NM_001173425.2); c.1240G>C, p.Gly414Arg (NM_001346890.1); short protein forms G765R, G414R, G764R, G382R.
Identifiers: ClinVar variation 45670 (VCV000045670.5), dbSNP rs142685292, ClinGen allele CA136908.